The following is an entry in ClinVar:

NM_152384.3(BBS5):c.644A>G (p.Lys215Arg)

Gene: BBS5 (Bardet-Biedl syndrome 5; plus strand). Cytogenetic location: 2q31.1.
Variant type: single nucleotide variant.
Coding change: c.644A>G on transcript NM_152384.3 (MANE Select); coding-DNA position 644, A replaced by G.
Protein change: p.Lys215Arg; replaces lysine 215 with arginine.
Molecular consequence: missense variant.
Genome position (GRCh38, 1-based): chr2:169,497,652, A>G. VCF-style: chr2-169497652-A-G. GRCh37 (hg19) VCF-style: chr2-170354162-A-G.
Other names: c.644A>G (NM_152384.2); short protein forms K215R.
Identifiers: ClinVar variation 4957717 (VCV004957717.2).

ClinVar aggregate classification (germline): Uncertain significance. Review status: criteria provided, multiple submitters, no conflicts (2 of 4 stars). 2 submissions from 2 submitters: Uncertain significance (2). Last evaluated 2025-10-08.

Conditions:
BBS5-related disorder. Also called: BBS5-related condition.

gnomAD v4.1: 2 of 1,599,352 alleles (0.00013%); no homozygotes.

Submissions (2):

PreventionGenetics, part of Exact Sciences
Classification: Uncertain significance for BBS5-related condition. Last evaluated: 2025-10-08. Review status: criteria provided, single submitter. Criteria: ACMG Guidelines, 2015. Collection method: clinical testing. Allele origin: germline.
Comment: The BBS5 c.644A>G variant is predicted to result in the amino acid substitution p.Lys215Arg. To our knowledge, this variant has not been reported in the literature or in gnomAD, indicating this variant is rare. At this time, the clinical significance of this variant is uncertain due to the absence of conclusive functional and genetic evidence.

Blueprint Genetics
Classification: Uncertain significance. Last evaluated: 2024-08-26. Review status: criteria provided, single submitter. Criteria: ACMG Guidelines, 2015. Collection method: clinical testing. Allele origin: germline.